The following is an entry in ClinVar:

ClinVar aggregate classification (germline): Uncertain significance (0 of 4 stars; one submission).

Conditions:
PTPRT-related disorder. Also called: PTPRT-related condition.

Submission:

PreventionGenetics, part of Exact Sciences
Classification: Uncertain significance for PTPRT-related condition. Last evaluated: 2024-09-25. Review status: no assertion criteria provided. Collection method: clinical testing. Allele origin: germline.
Comment: The PTPRT c.4154A>T variant is predicted to result in the amino acid substitution p.Gln1385Leu. To our knowledge, this variant has not been reported in the literature or in a large population database, indicating this variant is rare. At this time, the clinical significance of this variant is uncertain due to the absence of conclusive functional and genetic evidence.

NM_007050.6(PTPRT):c.4097A>T (p.Gln1366Leu)

Gene: PTPRT (protein tyrosine phosphatase receptor type T; minus strand). Cytogenetic location: 20q12.
Variant type: single nucleotide variant.
Coding change: c.4097A>T on transcript NM_007050.6 (MANE Select); coding-DNA position 4097, A replaced by T.
Protein change: p.Gln1366Leu; replaces glutamine 1366 with leucine.
Molecular consequence: missense variant.
Genome position (GRCh38, 1-based): chr20:42,084,721, T>A on the plus strand (A>T on the coding strand, the complement: PTPRT is on the minus strand). VCF-style: chr20-42084721-T-A. GRCh37 (hg19) VCF-style: chr20-40713361-T-A.
Other names: c.4154A>T, p.Gln1385Leu (NM_001394024.1, NM_133170.4); c.4121A>T, p.Gln1374Leu (NM_001394025.1); short protein forms Q1366L, Q1374L, Q1385L.
Identifiers: ClinVar variation 3346686 (VCV003346686.1).